The following is an entry in ClinVar:

NM_032730.5(RTN4IP1):c.29G>A (p.Arg10Lys)

Gene: RTN4IP1 (reticulon 4 interacting protein 1; minus strand). Cytogenetic location: 6q21.
Variant type: single nucleotide variant.
Coding change: c.29G>A on transcript NM_032730.5 (MANE Select); coding-DNA position 29, G replaced by A.
Protein change: p.Arg10Lys; replaces arginine 10 with lysine.
Molecular consequence: missense variant. On other transcripts: intron variant (1).
Genome position (GRCh38, 1-based): chr6:106,628,993, C>T on the plus strand (G>A on the coding strand, the complement: RTN4IP1 is on the minus strand). VCF-style: chr6-106628993-C-T. GRCh37 (hg19) VCF-style: chr6-107076868-C-T.
Other names: c.29G>A (NM_032730.4); c.-27+1334G>A (NM_001318746.1); short protein forms R10K.
Identifiers: ClinVar variation 2995259 (VCV002995259.4), dbSNP rs1023103707, ClinGen allele CA145001341.
Genomic context (GRCh38, chr6:106,628,993, plus strand): 5'-ACTGAAGGCTTTTGGACAACTTTGCTTCTCCAGAAGCAAACCGCAGTGCATGCATTTCTT[C>T]TAAGTACACAAGTCTTCAGAAATTCCATTGTAAACACTGGTTGAACTGCGTGCTCAAATT-3'
Protein context (NP_116119.2, residues 1-20): MEFLKTCVL[Arg10Lys]RNACTAVCFW

ClinVar aggregate classification (germline): Uncertain significance. Review status: criteria provided, multiple submitters, no conflicts (2 of 4 stars). 2 submissions from 2 submitters: Uncertain significance (2). Last evaluated 2024-02-28.

Conditions:
Inborn genetic diseases. Identifiers: MedGen C0950123, MeSH D030342.

Allele frequency attached by ClinVar (database versions not stated): gnomAD 0.00001; gnomAD exomes 0.00001; TOPMed 0.00002.
gnomAD v4.1: 8 of 1,613,496 alleles (0.0005%); highest among the groups gnomAD compares: Non-Finnish European, 0.00068%; no homozygotes.

Submissions (2):

Ambry Genetics
Classification: Uncertain significance for Inborn genetic diseases. Last evaluated: 2024-02-28. Review status: criteria provided, single submitter. Criteria: Ambry Variant Classification Scheme 2023. Collection method: clinical testing. Allele origin: germline.

Labcorp Genetics (formerly Invitae), Labcorp
Classification: Uncertain significance. Last evaluated: 2023-08-04. Review status: criteria provided, single submitter. Criteria: Invitae Variant Classification Sherloc (09022015). Collection method: clinical testing. Allele origin: germline.
Comment: This sequence change replaces arginine, which is basic and polar, with lysine, which is basic and polar, at codon 10 of the RTN4IP1 protein (p.Arg10Lys). In summary, the available evidence is currently insufficient to determine the role of this variant in disease. Therefore, it has been classified as a Variant of Uncertain Significance. Algorithms developed to predict the effect of missense changes on protein structure and function output the following: SIFT: "Not Available"; PolyPhen-2: "Benign"; Align-GVGD: "Not Available". The lysine amino acid residue is found in multiple mammalian species, which suggests that this missense change does not adversely affect protein function. This variant has not been reported in the literature in individuals affected with RTN4IP1-related conditions. This variant is present in population databases (no rsID available, gnomAD 0.003%).